The following is an entry in ClinVar:

NM_138636.5(TLR8):c.1299G>C (p.Leu433Phe)

Genes: TLR8 (toll like receptor 8; plus strand), TLR8-AS1 (TLR8 antisense RNA 1; minus strand). Cytogenetic location: Xp22.2.
Variant type: single nucleotide variant.
Coding change: c.1299G>C on transcript NM_138636.5 (MANE Select); coding-DNA position 1299, G replaced by C.
Protein change: p.Leu433Phe; replaces leucine 433 with phenylalanine.
Molecular consequence: missense variant.
Genome position (GRCh38, 1-based): chrX:12,920,339, G>C. VCF-style: chrX-12920339-G-C. GRCh37 (hg19) VCF-style: chrX-12938458-G-C.
Other names: c.1353G>C, p.Leu451Phe (NM_016610.4); short protein forms L433F, L451F.
Identifiers: ClinVar variation 4886965 (VCV004886965.1).
Genomic context (GRCh38, chrX:12,920,339, plus strand): 5'-TTTCCAAAATTTCTCCAATCTGGAAATTATTTACTTGTCAGAAAACAGAATATCACCGTT[G>C]GTAAAAGATACCCGGCAGAGTTATGCAAATAGTTCCTCTTTTCAACGTCATATCCGGAAA-3'
Protein context (NP_619542.1, residues 423-443): IYLSENRISP[Leu433Phe]VKDTRQSYAN

ClinVar aggregate classification (germline): Pathogenic (0 of 4 stars; one submission).

Conditions:
Immunodeficiency 98 with autoinflammation, X-linked (IMD98). Also called: INFLAMMATION, NEUTROPENIA, BONE MARROW FAILURE, AND LYMPHOPROLIFERATION CAUSED BY TLR8. Identifiers: Orphanet 675628, MedGen C5676883, MONDO:0024777, OMIM 301078.

Submission:

Duke Allergy and Immunology, Duke University
Classification: Pathogenic for Immunodeficiency 98 with autoinflammation, X-linked. Last evaluated: 2026-07-29. Review status: no assertion criteria provided. Collection method: research, in vitro. Allele origin: maternal, germline, not applicable. Affected: yes. Observed: 2 variant alleles, 1 heterozygote, 1 hemizygote. Functional consequence: gain of function variant. Segregation with disease observed.
Comment: Absent from population databases. Functional studies demonstrated gain-of-function activity with increased NF-κB signaling after TLR8 stimulation.